The following is an entry in ClinVar:

ClinVar aggregate classification (germline): Uncertain significance (1 of 4 stars; one submission).

Submission:

GeneDx
Classification: Uncertain significance. Last evaluated: 2025-04-09. Review status: criteria provided, single submitter. Criteria: GeneDx Variant Classification Process June 2021. Collection method: clinical testing. Allele origin: germline. Affected: yes.
Comment: Not observed at significant frequency in large population cohorts (gnomAD); In silico analysis indicates that this missense variant does not alter protein structure/function; Has not been previously published as pathogenic or benign to our knowledge

NM_001110556.2(FLNA):c.5233C>G (p.Gln1745Glu)

Gene: FLNA (filamin A; minus strand). Cytogenetic location: Xq28.
Variant type: single nucleotide variant.
Coding change: c.5233C>G on transcript NM_001110556.2 (MANE Select); coding-DNA position 5233, C replaced by G.
Protein change: p.Gln1745Glu; replaces glutamine 1745 with glutamic acid.
Molecular consequence: missense variant.
Genome position (GRCh38, 1-based): chrX:154,354,696, G>C on the plus strand (C>G on the coding strand, the complement: FLNA is on the minus strand). VCF-style: chrX-154354696-G-C. GRCh37 (hg19) VCF-style: chrX-153583064-G-C.
Other names: c.5209C>G, p.Gln1737Glu (NM_001456.4); short protein forms Q1737E, Q1745E.
Identifiers: ClinVar variation 3600545 (VCV003600545.2).